The following is an entry in ClinVar:

NM_001394062.1(MACF1):c.2372G>A (p.Arg791Gln)

Gene: MACF1 (microtubule actin crosslinking factor 1; plus strand). Cytogenetic location: 1p34.3.
Variant type: single nucleotide variant.
Coding change: c.2372G>A on transcript NM_001394062.1 (MANE Select); coding-DNA position 2372, G replaced by A.
Protein change: p.Arg791Gln; replaces arginine 791 with glutamine.
Molecular consequence: missense variant.
Genome position (GRCh38, 1-based): chr1:39,297,636, G>A. VCF-style: chr1-39297636-G-A. GRCh37 (hg19) VCF-style: chr1-39763308-G-A.
Other names: c.2387G>A, p.Arg796Gln (NM_012090.5); short protein forms R796Q, R791Q.
Identifiers: ClinVar variation 5002788 (VCV005002788.1).

ClinVar aggregate classification (germline): Uncertain significance (1 of 4 stars; one submission).

Conditions:
Lissencephaly 9 with complex brainstem malformation. Identifiers: Orphanet 572013, MedGen C5193029, MONDO:0032677, OMIM 618325.

gnomAD v4.1: 8 of 1,614,012 alleles (0.0005%); highest among the groups gnomAD compares: Non-Finnish European, 0.00068%; no homozygotes.

Submission:

OLLIN Analises Genomicas, OLLIN
Classification: Uncertain significance for Lissencephaly 9 with complex brainstem malformation. Last evaluated: 2026-08-06. Review status: criteria provided, single submitter. Criteria: ACMG Guidelines 2015 PMID 25741868. Collection method: clinical testing. Allele origin: germline. Inheritance: Autosomal dominant inheritance.
Comment: This missense variant, located in exon 21 (of 101), has been observed in gnomAD with an allele frequency of 0.0005%, but has not been reported in ClinVar or identified in the literature. In silico analysis is inconclusive regarding the impact of this variant. According to the currently available evidence, this variant has been classified as uncertain significance (PM2_P).